The following is an entry in ClinVar:

ClinVar aggregate classification (germline): Benign. Review status: criteria provided, multiple submitters, no conflicts (2 of 4 stars). 8 submissions from 8 submitters: Benign (5). 3 of the submissions do not count toward it. Last evaluated 2026-01-11.

Conditions:
Townes syndrome (TBS). Also called: Townes-Brocks syndrome. Identifiers: Orphanet 857, MedGen C0265246, MeSH C536974, MONDO:0007142.

Submissions (8):

Labcorp Genetics (formerly Invitae), Labcorp
Classification: Benign for Townes syndrome. Last evaluated: 2026-01-11. Review status: criteria provided, single submitter. Criteria: Invitae Variant Classification Sherloc (09022015). Collection method: clinical testing. Allele origin: germline.

CeGaT Center for Human Genetics Tuebingen
Classification: Benign. Last evaluated: 2025-04-01. Review status: criteria provided, single submitter. Criteria: CeGaT Center For Human Genetics Tuebingen Variant Classification Criteria Version 2. Collection method: clinical testing. Allele origin: germline. Affected: yes. Observed: 3 variant alleles.
Comment: SALL1: BS1, BS2

Mayo Clinic Laboratories, Mayo Clinic
Classification: Benign. Last evaluated: 2024-12-13. Review status: criteria provided, single submitter. Criteria: ACMG Guidelines, 2015. Collection method: clinical testing. Allele origin: germline. Observed: 2 variant alleles.
Comment: BA1, BS2

GeneDx
Classification: Benign. Last evaluated: 2019-01-07. Review status: criteria provided, single submitter. Criteria: GeneDx Variant Classification Process June 2021. Collection method: clinical testing. Allele origin: germline. Affected: yes.

Eurofins Ntd Llc (ga)
Classification: Benign. Last evaluated: 2015-10-02. Review status: criteria provided, single submitter. Criteria: EGL Classification Definitions. Collection method: clinical testing. Allele origin: germline. Observed: 3 variant alleles, 2 heterozygotes.

Clinical Genetics DNA and cytogenetics Diagnostics Lab, Erasmus MC, Erasmus Medical Center
Classification: Benign. Review status: no assertion criteria provided. Collection method: clinical testing. Allele origin: germline. Affected: yes. Study: VKGL Data-share Consensus. Not counted in ClinVar's aggregate classification.

Diagnostic Laboratory, Department of Genetics, University Medical Center Groningen
Classification: Benign. Review status: no assertion criteria provided. Collection method: clinical testing. Allele origin: germline. Affected: yes. Study: VKGL Data-share Consensus. Not counted in ClinVar's aggregate classification.

Genome Diagnostics Laboratory, University Medical Center Utrecht
Classification: Benign. Review status: no assertion criteria provided. Collection method: clinical testing. Allele origin: germline. Affected: yes. Study: VKGL Data-share Consensus. Not counted in ClinVar's aggregate classification.

NM_002968.3(SALL1):c.448AGC[12] (p.Ser158_Ser159dup)

Gene: SALL1 (spalt like transcription factor 1; minus strand). Cytogenetic location: 16q12.1.
Variant type: Microsatellite.
Coding change: c.448AGC[12] on transcript NM_002968.3 (MANE Select); 12 copies in a row of the 3-base unit AGC starting at c.448; the reference has ten copies in a row; two copies, 6 bases duplicated; also written c.472_477dup.
Protein change: p.Ser158_Ser159dup.
Molecular consequence: inframe insertion.
Genome position (GRCh38, 1-based): chr16:51,141,745-51,141,750, GCTGCT duplicated on the plus strand (AGCAGC on the coding strand, the reverse complement: SALL1 is on the minus strand); duplicating any 6 consecutive bases within chr16:51,141,745-51,141,774 gives the same sequence; the position shown is the placement nearest the transcript's 3' end. VCF-style (leftmost placement, unchanged base first): chr16-51141744-C-CGCTGCT. GRCh37 (hg19) VCF-style: chr16-51175655-C-CGCTGCT.
Other names: p.Ser158_Ser159dup; c.472_477dup (NM_002968.3); c.157AGC[12], p.Ser61_Ser62dup (NM_001127892.2); c.472_477dupAGCAGC (NM_002968.2).
Identifiers: ClinVar variation 319615 (VCV000319615.44), dbSNP rs113614842, ClinGen allele CA8053464.